The following is an entry in ClinVar:

ClinVar aggregate classification (germline): Uncertain significance. Review status: criteria provided, multiple submitters, no conflicts (2 of 4 stars). 3 submissions from 3 submitters: Uncertain significance (3). Last evaluated 2026-02-04.

Conditions:
Inborn genetic diseases. Identifiers: MedGen C0950123, MeSH D030342.
Bethlem myopathy 2 (BTHLM2). Identifiers: Orphanet 536516, Orphanet 610, MedGen C4225313, MONDO:0034022, OMIM 616471.
Ullrich congenital muscular dystrophy 2 (UCMD2). Identifiers: Orphanet 75840, MedGen C4225314, MONDO:0014654, OMIM 616470.

gnomAD v4.1: 5 of 1,613,892 alleles (0.00031%); highest among the groups gnomAD compares: Non-Finnish European, 0.00042%; no homozygotes.

Submissions (3):

Women's Health and Genetics/Laboratory Corporation of America, LabCorp
Classification: Uncertain significance. Last evaluated: 2026-02-04. Review status: criteria provided, single submitter. Criteria: LabCorp Variant Classification Summary - May 2015. Collection method: clinical testing. Allele origin: germline.
Comment: Variant summary: COL12A1 c.3217G>A (p.Glu1073Lys) results in a conservative amino acid change in the encoded protein sequence. Algorithms developed to predict the effect of missense changes on protein structure and function are either unavailable or do not agree on the potential impact of this missense change. The variant was absent in 249264 control chromosomes. The available data on variant occurrences in the general population are insufficient to allow any conclusion about variant significance. To our knowledge, no occurrence of c.3217G>A in individuals affected with COL12A1-related conditions and no experimental evidence demonstrating its impact on protein function have been reported. ClinVar contains an entry for this variant (Variation ID: 1478670). Based on the evidence outlined above, the variant was classified as uncertain significance.

Ambry Genetics
Classification: Uncertain significance for Inborn genetic diseases. Last evaluated: 2025-12-04. Review status: criteria provided, single submitter. Criteria: Ambry Variant Classification Scheme 2023. Collection method: clinical testing. Allele origin: germline.

Labcorp Genetics (formerly Invitae), Labcorp
Classification: Uncertain significance for Bethlem myopathy 2; Ullrich congenital muscular dystrophy 2. Last evaluated: 2025-11-11. Review status: criteria provided, single submitter. Criteria: Invitae Variant Classification Sherloc (09022015). Collection method: clinical testing. Allele origin: germline.
Comment: This sequence change replaces glutamic acid, which is acidic and polar, with lysine, which is basic and polar, at codon 1073 of the COL12A1 protein (p.Glu1073Lys). This variant is not present in population databases (gnomAD no frequency). This variant has not been reported in the literature in individuals affected with COL12A1-related conditions. ClinVar contains an entry for this variant (Variation ID: 1478670). Invitae Evidence Modeling of protein sequence and biophysical properties (such as structural, functional, and spatial information, amino acid conservation, physicochemical variation, residue mobility, and thermodynamic stability) indicates that this missense variant is not expected to disrupt COL12A1 protein function with a negative predictive value of 80%. In summary, the available evidence is currently insufficient to determine the role of this variant in disease. Therefore, it has been classified as a Variant of Uncertain Significance.

NM_004370.6(COL12A1):c.3217G>A (p.Glu1073Lys)

Gene: COL12A1 (collagen type XII alpha 1 chain; minus strand). Cytogenetic location: 6q13.
Variant type: single nucleotide variant.
Coding change: c.3217G>A on transcript NM_004370.6 (MANE Select); coding-DNA position 3217, G replaced by A.
Protein change: p.Glu1073Lys; replaces glutamic acid 1073 with lysine.
Molecular consequence: missense variant. On other transcripts: intron variant (1).
Genome position (GRCh38, 1-based): chr6:75,156,290, C>T on the plus strand (G>A on the coding strand, the complement: COL12A1 is on the minus strand). VCF-style: chr6-75156290-C-T. GRCh37 (hg19) VCF-style: chr6-75866006-C-T.
Other names: c.74-3808G>A (NM_080645.3); c.3217G>A (NM_004370.5); short protein forms E1073K.
Identifiers: ClinVar variation 1478670 (VCV001478670.8), dbSNP rs2149424189, ClinGen allele CA364753445.